The following is an entry in ClinVar:

ClinVar aggregate classification (germline): Uncertain significance. Review status: criteria provided, multiple submitters, no conflicts (2 of 4 stars). 2 submissions from 2 submitters: Uncertain significance (2). Last evaluated 2025-08-20.

Conditions:
Inborn genetic diseases. Identifiers: MedGen C0950123, MeSH D030342.
Zellweger spectrum disorders (ZS). Also called: Zellweger Spectrum Disorder; Zellweger Spectrum; Zellweger syndrome; Zellweger Spectrum Disorder (ZSD). Identifiers: Orphanet 912, MedGen C0043459, MONDO:0019609.

Allele frequency attached by ClinVar (database versions not stated): ExAC 0.00001; TOPMed 0.00001.
gnomAD v4.1: 2 of 1,614,052 alleles (0.00012%); highest among the groups gnomAD compares: Admixed American, 0.0033%; no homozygotes.

Submissions (2):

Ambry Genetics
Classification: Uncertain significance for Inborn genetic diseases. Last evaluated: 2025-08-20. Review status: criteria provided, single submitter. Criteria: Ambry Variant Classification Scheme 2023. Collection method: clinical testing. Allele origin: germline.

Labcorp Genetics (formerly Invitae), Labcorp
Classification: Uncertain significance for Zellweger spectrum disorders. Last evaluated: 2021-12-30. Review status: criteria provided, single submitter. Criteria: Invitae Variant Classification Sherloc (09022015). Collection method: clinical testing. Allele origin: germline.
Comment: This sequence change replaces aspartic acid, which is acidic and polar, with asparagine, which is neutral and polar, at codon 1168 of the PEX1 protein (p.Asp1168Asn). This variant is present in population databases (rs762279727, gnomAD 0.007%). This variant has not been reported in the literature in individuals affected with PEX1-related conditions. Algorithms developed to predict the effect of missense changes on protein structure and function are either unavailable or do not agree on the potential impact of this missense change (SIFT: "Deleterious"; PolyPhen-2: "Benign"; Align-GVGD: "Class C0"). In summary, the available evidence is currently insufficient to determine the role of this variant in disease. Therefore, it has been classified as a Variant of Uncertain Significance.

NM_000466.3(PEX1):c.3502G>A (p.Asp1168Asn)

Genes: PEX1 (peroxisomal biogenesis factor 1; minus strand), GATAD1 (GATA zinc finger domain containing 1; plus strand). Cytogenetic location: 7q21.2.
Variant type: single nucleotide variant.
Coding change: c.3502G>A on transcript NM_000466.3 (MANE Select); coding-DNA position 3502, G replaced by A.
Protein change: p.Asp1168Asn; replaces aspartic acid 1168 with asparagine.
Molecular consequence: missense variant.
Genome position (GRCh38, 1-based): chr7:92,489,848, C>T on the plus strand (G>A on the coding strand, the complement: PEX1 is on the minus strand). VCF-style: chr7-92489848-C-T. GRCh37 (hg19) VCF-style: chr7-92119162-C-T.
Other names: c.3331G>A, p.Asp1111Asn (NM_001282677.2); c.2878G>A, p.Asp960Asn (NM_001282678.2); c.3502G>A (NM_000466.2); short protein forms D1111N, D1168N, D960N.
Identifiers: ClinVar variation 2418889 (VCV002418889.4), dbSNP rs762279727, ClinGen allele CA4340806.